The following is an entry in ClinVar:

NM_031308.4(EPPK1):c.924C>T (p.His308=)

Gene: EPPK1 (epiplakin 1; minus strand). Cytogenetic location: 8q24.3.
Variant type: single nucleotide variant.
Coding change: c.924C>T on transcript NM_031308.4 (MANE Select); coding-DNA position 924, C replaced by T.
Protein change: p.His308=; no amino-acid change (histidine 308 retained).
Molecular consequence: synonymous variant.
Genome position (GRCh38, 1-based): chr8:143,872,330, G>A on the plus strand (C>T on the coding strand, the complement: EPPK1 is on the minus strand). VCF-style: chr8-143872330-G-A. GRCh37 (hg19) VCF-style: chr8-144946498-G-A.
Identifiers: ClinVar variation 3028966 (VCV003028966.2), dbSNP rs782587904, ClinGen allele CA463532210.

ClinVar aggregate classification (germline): Likely benign (0 of 4 stars; one submission).

Conditions:
EPPK1-related disorder. Also called: EPPK1-related condition.

Allele frequency attached by ClinVar (database versions not stated): gnomAD 0.00001; TOPMed 0.00002.
gnomAD v4.1: 5 of 1,604,396 alleles (0.00031%); highest among the groups gnomAD compares: Admixed American, 0.0084%; no homozygotes.

Submission:

PreventionGenetics, part of Exact Sciences
Classification: Likely benign for EPPK1-related condition. Last evaluated: 2021-06-14. Review status: no assertion criteria provided. Collection method: clinical testing. Allele origin: germline.
Comment: This variant is classified as likely benign based on ACMG/AMP sequence variant interpretation guidelines (Richards et al. 2015 PMID: 25741868, with internal and published modifications).